The following is an entry in ClinVar:

ClinVar aggregate classification (germline): Uncertain significance (1 of 4 stars; one submission).

Conditions:
Hereditary cancer-predisposing syndrome. Also called: Neoplastic Syndromes, Hereditary; Tumor predisposition; Hereditary neoplastic syndrome; Hereditary Cancer Syndrome. Identifiers: Orphanet 140162, MedGen C0027672, MeSH D009386, MONDO:0015356.

Submission:

Ambry Genetics
Classification: Uncertain significance for Hereditary cancer-predisposing syndrome. Last evaluated: 2026-08-07. Review status: criteria provided, single submitter. Criteria: Ambry Variant Classification Scheme 2023. Collection method: clinical testing. Allele origin: germline.
Comment: The c.4937_4942dupGGCGGC variant (also known as p.R1646_R1647dup), located in coding exon 34 of the SMARCA4 gene, results from an in-frame duplication of GGCGGC at nucleotide positions 4937 to 4942. This results in the duplication of 2 extra residues (RR) between codons 1646 and 1647. This amino acid region is highly conserved in available vertebrate species. In addition, this variant is predicted to be neutral by in silico analysis (Choi Y et al. PLoS ONE. 2012; 7(10):e46688). Based on the available evidence, the clinical significance of this variant remains unclear.

NM_003072.5(SMARCA4):c.4838GGC[5] (p.Arg1615_Pro1616insArgArg)

Gene: SMARCA4 (SWI/SNF related BAF chromatin remodeling complex subunit ATPase 4; plus strand). Cytogenetic location: 19p13.2.
Variant type: Microsatellite.
Coding change: c.4838GGC[5] on transcript NM_003072.5 (MANE Select); five copies in a row of the 3-base unit GGC starting at c.4838; the reference has three copies in a row; two copies, 6 bases duplicated.
Protein change: p.Arg1615_Pro1616insArgArg.
Molecular consequence: non-coding transcript variant (on NR_164683.1).
Genome position (GRCh38, 1-based): chr19:11,060,117-11,060,122, GGCGGC duplicated; duplicating any 6 consecutive bases within chr19:11,060,113-11,060,122 gives the same sequence; the position shown is the placement nearest the transcript's 3' end. VCF-style (leftmost placement, unchanged base first): chr19-11060112-C-CCGGCGG. GRCh37 (hg19) VCF-style: chr19-11170788-C-CCGGCGG.
Other names: c.4838GGC[5], p.Arg1615_Pro1616insArgArg (NM_001128844.3); c.4748GGC[5], p.Arg1585_Pro1586insArgArg (NM_001128845.2); c.4745GGC[5], p.Arg1584_Pro1585insArgArg (NM_001128846.2); c.4739GGC[5], p.Arg1582_Pro1583insArgArg (NM_001128847.4, NM_001374457.1); c.4736GGC[5], p.Arg1581_Pro1582insArgArg (NM_001128848.2); c.4934GGC[5], p.Arg1647_Pro1648insArgArg (NM_001128849.3, NM_001387283.1); c.4835GGC[5], p.Arg1614_Pro1615insArgArg (NM_001411150.1).
Identifiers: ClinVar variation 5029869 (VCV005029869.1).